The following is an entry in ClinVar:

NM_033118.4(MYLK2):c.748G>C (p.Glu250Gln)

Gene: MYLK2 (myosin light chain kinase 2; plus strand). Cytogenetic location: 20q11.21.
Variant type: single nucleotide variant.
Coding change: c.748G>C on transcript NM_033118.4 (MANE Select); coding-DNA position 748, G replaced by C.
Protein change: p.Glu250Gln; replaces glutamic acid 250 with glutamine.
Molecular consequence: missense variant.
Genome position (GRCh38, 1-based): chr20:31,821,713, G>C. VCF-style: chr20-31821713-G-C. GRCh37 (hg19) VCF-style: chr20-30409516-G-C.
Other names: short protein forms E250Q.
Identifiers: ClinVar variation 426617 (VCV000426617.13), dbSNP rs1085307713, ClinGen allele CA408526276.

ClinVar aggregate classification (germline): Uncertain significance. Review status: criteria provided, multiple submitters, no conflicts (2 of 4 stars). 3 submissions from 3 submitters: Uncertain significance (3). Last evaluated 2025-03-27.

Conditions:
Hypertrophic cardiomyopathy 1 (CMH1). Also called: Familial hypertrophic cardiomyopathy 1; MYH7-Related Familial Hypertrophic Cardiomyopathy. Identifiers: MedGen C3495498, MONDO:0008647, OMIM 192600.

Allele frequency attached by ClinVar (database versions not stated): TOPMed 0.00002; gnomAD 0.00003 and 0.00004.
gnomAD v4.1: 5 of 1,606,180 alleles (0.00031%); highest among the groups gnomAD compares: African/African-American, 0.0067%; no homozygotes.

Submissions (3):

Ambry Genetics
Classification: Uncertain significance. Last evaluated: 2025-03-27. Review status: criteria provided, single submitter. Criteria: Ambry Variant Classification Scheme 2023. Collection method: clinical testing. Allele origin: germline.

Labcorp Genetics (formerly Invitae), Labcorp
Classification: Uncertain significance for Hypertrophic cardiomyopathy 1. Last evaluated: 2022-09-01. Review status: criteria provided, single submitter. Criteria: Invitae Variant Classification Sherloc (09022015). Collection method: clinical testing. Allele origin: germline.
Comment: In summary, the available evidence is currently insufficient to determine the role of this variant in disease. Therefore, it has been classified as a Variant of Uncertain Significance. Algorithms developed to predict the effect of missense changes on protein structure and function (SIFT, PolyPhen-2, Align-GVGD) all suggest that this variant is likely to be tolerated. ClinVar contains an entry for this variant (Variation ID: 426617). This variant has not been reported in the literature in individuals affected with MYLK2-related conditions. This variant is present in population databases (no rsID available, gnomAD 0.02%). This sequence change replaces glutamic acid, which is acidic and polar, with glutamine, which is neutral and polar, at codon 250 of the MYLK2 protein (p.Glu250Gln).

GeneDx
Classification: Uncertain significance. Last evaluated: 2017-04-11. Review status: criteria provided, single submitter. Criteria: GeneDx Variant Classification (06012015). Collection method: clinical testing. Allele origin: germline. Affected: yes.
Comment: A novel variant of uncertain significance has been identified in the MYLK2 gene. The E250Q variant has not been published as pathogenic or been reported as benign to our knowledge. This variant is not observed in large population cohorts (Lek et al., 2016; 1000 Genomes Consortium et al., 2015; Exome Variant Server). The E250Q variant is a semi-conservative amino acid substitution, which may impact secondary protein structure as these residues differ in some properties. However, this substitution occurs at a position that is not conserved across species, and 2/3 in silico algorithms predict this variant likely does not alter the protein structure/function.